The following is an entry in ClinVar:

ClinVar aggregate classification (germline): Conflicting classifications of pathogenicity. Review status: criteria provided, conflicting classifications (1 of 4 stars). 6 submissions from 2 submitters: Uncertain significance (1); Likely benign (5). Last evaluated 2023-07-25.

Conditions:
Congenital myasthenic syndrome 16. Identifiers: Orphanet 590, MedGen C3280112, MONDO:0013620, OMIM 614198.
Paramyotonia congenita of Von Eulenburg. Also called: Paramyotonia Congenita; PARALYSIS PERIODICA PARAMYOTONICA; Eulenburg disease; Myotonia congenita intermittens; Von Eulenburg paramyotonia congenita. Identifiers: Orphanet 684, MedGen C0221055, MONDO:0008195, OMIM 168300. Disease mechanism: loss of function.
Potassium-aggravated myotonia. Also called: Myotonia congenita, atypical, acetazolamide-responsive; MYOTONIA CONGENITA, ACETAZOLAMIDE-RESPONSIVE; MYOTONIA CONGENITA, ATYPICAL; SODIUM CHANNEL MUSCLE DISEASE. Identifiers: Orphanet 612, Orphanet 99734, Orphanet 99735, Orphanet 99736, MedGen C2931826, MONDO:0018959, OMIM 608390.
Hyperkalemic periodic paralysis. Also called: Familial hyperkalemic periodic paralysis; Gamstorp disease. Identifiers: Orphanet 682, MedGen C0238357, MONDO:0008224, OMIM 170500, HP:0007215.
Hypokalemic periodic paralysis, type 2 (HOKPP2). Identifiers: Orphanet 681, MedGen C2750061, MONDO:0013234, OMIM 613345.

Allele frequency attached by ClinVar (database versions not stated): gnomAD 0.00005 and 0.00004; ExAC 0.00002; TOPMed 0.00004; ESP Exome Variant Server 0.00008; gnomAD exomes 0.00001 and 0.00002.
gnomAD v4.1: 31 of 1,614,020 alleles (0.0019%); highest among the groups gnomAD compares: Non-Finnish European, 0.0021%; no homozygotes.

Submissions (6):

Labcorp Genetics (formerly Invitae), Labcorp
Classification: Likely benign for Hyperkalemic periodic paralysis. Last evaluated: 2023-07-25. Review status: criteria provided, single submitter. Criteria: Invitae Variant Classification Sherloc (09022015). Collection method: clinical testing. Allele origin: germline.

Illumina Laboratory Services, Illumina
Classification: Likely benign for Hypokalemic periodic paralysis, type 2. Last evaluated: 2018-01-12. Review status: criteria provided, single submitter. Criteria: ICSL Variant Classification Criteria 13 December 2019. Collection method: clinical testing. Allele origin: germline.
Comment: This variant was observed in the ICSL laboratory as part of a predisposition screen in an ostensibly healthy population. It had not been previously curated by ICSL or reported in the Human Gene Mutation Database (HGMD: prior to June 1st, 2018), and was therefore a candidate for classification through an automated scoring system. Utilizing variant allele frequency, disease prevalence and penetrance estimates, and inheritance mode, an automated score was calculated to assess if this variant is too frequent to cause the disease. Based on the score and internal cut-off values, a variant classified as likely benign is not then subjected to further curation. The score for this variant resulted in a classification of likely benign for this disease.

Illumina Laboratory Services, Illumina
Classification: Uncertain significance for Congenital myasthenic syndrome 16. Last evaluated: 2018-01-12. Review status: criteria provided, single submitter. Criteria: ICSL Variant Classification Criteria 13 December 2019. Collection method: clinical testing. Allele origin: germline.

Illumina Laboratory Services, Illumina
Classification: Likely benign for Paramyotonia congenita of Von Eulenburg. Last evaluated: 2018-01-12. Review status: criteria provided, single submitter. Criteria: ICSL Variant Classification Criteria 13 December 2019. Collection method: clinical testing. Allele origin: germline.
Comment: the same text as in the submission from Illumina Laboratory Services, Illumina above.

Illumina Laboratory Services, Illumina
Classification: Likely benign for Hyperkalemic periodic paralysis. Last evaluated: 2018-01-12. Review status: criteria provided, single submitter. Criteria: ICSL Variant Classification Criteria 13 December 2019. Collection method: clinical testing. Allele origin: germline.
Comment: the same text as in the submission from Illumina Laboratory Services, Illumina above.

Illumina Laboratory Services, Illumina
Classification: Likely benign for Potassium-aggravated myotonia. Last evaluated: 2018-01-12. Review status: criteria provided, single submitter. Criteria: ICSL Variant Classification Criteria 13 December 2019. Collection method: clinical testing. Allele origin: germline.
Comment: the same text as in the submission from Illumina Laboratory Services, Illumina above.

NM_000334.4(SCN4A):c.2256C>T (p.Leu752=)

Genes: GH-LCR (growth hormone locus control region; plus strand), SCN4A (sodium voltage-gated channel alpha subunit 4; minus strand). Cytogenetic location: 17q23.3.
Variant type: single nucleotide variant.
Coding change: c.2256C>T on transcript NM_000334.4 (MANE Select); coding-DNA position 2256, C replaced by T.
Protein change: p.Leu752=; no amino-acid change (leucine 752 retained).
Molecular consequence: synonymous variant.
Genome position (GRCh38, 1-based): chr17:63,957,282, G>A on the plus strand (C>T on the coding strand, the complement: SCN4A is on the minus strand). VCF-style: chr17-63957282-G-A. GRCh37 (hg19) VCF-style: chr17-62034642-G-A.
Identifiers: ClinVar variation 324535 (VCV000324535.14), dbSNP rs375596512, ClinGen allele CA8709629.